The following is an entry in ClinVar:

ClinVar aggregate classification (germline): Uncertain significance (1 of 4 stars; one submission).

Allele frequency attached by ClinVar (database versions not stated): TOPMed below 0.00001; gnomAD 0.00001.

Submission:

Labcorp Genetics (formerly Invitae), Labcorp
Classification: Uncertain significance. Last evaluated: 2022-07-05. Review status: criteria provided, single submitter. Criteria: Invitae Variant Classification Sherloc (09022015). Collection method: clinical testing. Allele origin: germline.
Comment: In summary, the available evidence is currently insufficient to determine the role of this variant in disease. Therefore, it has been classified as a Variant of Uncertain Significance. Algorithms developed to predict the effect of missense changes on protein structure and function are either unavailable or do not agree on the potential impact of this missense change (SIFT: "Deleterious"; PolyPhen-2: "Benign"; Align-GVGD: "Class C35"). ClinVar contains an entry for this variant (Variation ID: 1501298). This variant has not been reported in the literature in individuals affected with NYX-related conditions. This variant is not present in population databases (gnomAD no frequency). This sequence change replaces arginine, which is basic and polar, with serine, which is neutral and polar, at codon 89 of the NYX protein (p.Arg89Ser).

NM_001378477.3(NYX):c.250C>A (p.Arg84Ser)

Gene: NYX (nyctalopin; plus strand). Cytogenetic location: Xp11.4.
Variant type: single nucleotide variant.
Coding change: c.250C>A on transcript NM_001378477.3 (MANE Select); coding-DNA position 250, C replaced by A.
Protein change: p.Arg84Ser; replaces arginine 84 with serine.
Molecular consequence: missense variant.
Genome position (GRCh38, 1-based): chrX:41,473,718, C>A. VCF-style: chrX-41473718-C-A. GRCh37 (hg19) VCF-style: chrX-41332971-C-A.
Other names: c.250C>A, p.Arg84Ser (NM_022567.3); short protein forms R84S.
Identifiers: ClinVar variation 1501298 (VCV001501298.8), dbSNP rs1180124186, ClinGen allele CA412989708.